The following is an entry in ClinVar:

ClinVar aggregate classification (germline): Conflicting classifications of pathogenicity. Review status: criteria provided, conflicting classifications (1 of 4 stars). 8 submissions from 8 submitters: Uncertain significance (5); Likely benign (2). 1 of the submissions does not count toward it. Last evaluated 2026-04-21.

Conditions:
Joubert syndrome. Also called: JOUBERT-BOLTSHAUSER SYNDROME; Familial aplasia of the vermis. Identifiers: Orphanet 475, MedGen C5979921, MONDO:0018772.
Meckel-Gruber syndrome. Also called: DYSENCEPHALIA SPLANCHNOCYSTICA; GRUBER SYNDROME; Dysencephalia splachnocystica. Identifiers: Orphanet 564, MedGen C0265215, MONDO:0018921.
Meckel syndrome, type 5 (MKS5). Identifiers: Orphanet 564, MedGen C1969052, MONDO:0012695, OMIM 611561.
COACH syndrome 3. Identifiers: MedGen C5436841, MONDO:0030862, OMIM 619113.
Joubert syndrome 7 (JBTS7). Identifiers: Orphanet 220497, MedGen C1969053, MONDO:0012694, OMIM 611560.
RPGRIP1L-related disorder. Also called: RPGRIP1L-related condition; RPGRIP1L-related disorders. Identifiers: MedGen CN239416.
Inborn genetic diseases. Identifiers: MedGen C0950123, MeSH D030342.

Allele frequency attached by ClinVar (database versions not stated): ESP Exome Variant Server 0.00008; TOPMed 0.00010; gnomAD 0.00011.

Submissions (8):

PreventionGenetics, part of Exact Sciences
Classification: Uncertain significance for RPGRIP1L-related condition. Last evaluated: 2026-04-21. Review status: criteria provided, single submitter. Criteria: ACMG Guidelines, 2015. Collection method: clinical testing. Allele origin: germline.
Comment: The RPGRIP1L c.1261G>A variant is predicted to result in the amino acid substitution p.Val421Ile. To our knowledge, this variant has not been reported in the literature. This variant is reported in 0.025% of alleles in individuals of African descent in gnomAD. At this time, the clinical significance of this variant is uncertain due to the absence of conclusive functional and genetic evidence.

Ambry Genetics
Classification: Likely benign for Inborn genetic diseases. Last evaluated: 2025-02-11. Review status: criteria provided, single submitter. Criteria: Ambry Variant Classification Scheme 2023. Collection method: clinical testing. Allele origin: germline.

Blueprint Genetics
Classification: Likely benign. Last evaluated: 2024-10-24. Review status: criteria provided, single submitter. Criteria: ACMG Guidelines, 2015. Collection method: clinical testing. Allele origin: germline.

Fulgent Genetics
Classification: Uncertain significance for Joubert syndrome 7; Meckel syndrome, type 5; COACH syndrome 3. Last evaluated: 2024-04-25. Review status: criteria provided, single submitter. Criteria: ACMG Guidelines, 2015. Collection method: clinical testing. Allele origin: germline.

Labcorp Genetics (formerly Invitae), Labcorp
Classification: Uncertain significance for Joubert syndrome; Meckel-Gruber syndrome. Last evaluated: 2022-10-13. Review status: criteria provided, single submitter. Criteria: Invitae Variant Classification Sherloc (09022015). Collection method: clinical testing. Allele origin: germline.
Comment: This sequence change replaces valine, which is neutral and non-polar, with isoleucine, which is neutral and non-polar, at codon 421 of the RPGRIP1L protein (p.Val421Ile). This variant is present in population databases (rs138383101, gnomAD 0.02%). This variant has not been reported in the literature in individuals affected with RPGRIP1L-related conditions. ClinVar contains an entry for this variant (Variation ID: 808045). Advanced modeling of protein sequence and biophysical properties (such as structural, functional, and spatial information, amino acid conservation, physicochemical variation, residue mobility, and thermodynamic stability) performed at Invitae indicates that this missense variant is not expected to disrupt RPGRIP1L protein function. In summary, the available evidence is currently insufficient to determine the role of this variant in disease. Therefore, it has been classified as a Variant of Uncertain Significance.

GeneDx
Classification: Uncertain significance. Last evaluated: 2019-05-20. Review status: criteria provided, single submitter. Criteria: GeneDx Variant Classification Process June 2021. Collection method: clinical testing. Allele origin: germline. Affected: yes.
Comment: In silico analysis, which includes protein predictors and evolutionary conservation, supports that this variant does not alter protein structure/function; Has not been previously published as pathogenic or benign to our knowledge

CeGaT Center for Human Genetics Tuebingen
Classification: Uncertain significance. Last evaluated: 2018-10-01. Review status: criteria provided, single submitter. Criteria: CeGaT Center For Human Genetics Tuebingen Variant Classification Criteria Version 2. Collection method: clinical testing. Allele origin: germline. Affected: yes. Observed: 1 variant allele.

Natera, Inc.
Classification: Uncertain significance for Joubert syndrome. Last evaluated: 2020-12-09. Review status: no assertion criteria provided. Collection method: clinical testing. Allele origin: germline. Not counted in ClinVar's aggregate classification.

NM_015272.5(RPGRIP1L):c.1261G>A (p.Val421Ile)

Gene: RPGRIP1L (RPGRIP1 like; minus strand). Cytogenetic location: 16q12.2.
Variant type: single nucleotide variant.
Coding change: c.1261G>A on transcript NM_015272.5 (MANE Select); coding-DNA position 1261, G replaced by A.
Protein change: p.Val421Ile; replaces valine 421 with isoleucine.
Molecular consequence: missense variant.
Genome position (GRCh38, 1-based): chr16:53,658,861, C>T on the plus strand (G>A on the coding strand, the complement: RPGRIP1L is on the minus strand). VCF-style: chr16-53658861-C-T. GRCh37 (hg19) VCF-style: chr16-53692773-C-T.
Other names: c.1261G>A, p.Val421Ile (NM_001127897.4, NM_001308334.3, NM_001330538.2); c.1261G>A (NM_015272.4); short protein forms V421I.
Identifiers: ClinVar variation 808045 (VCV000808045.52), dbSNP rs138383101, ClinGen allele CA8057860.